The following is an entry in ClinVar:

ClinVar aggregate classification (germline): Uncertain significance. Review status: criteria provided, multiple submitters, no conflicts (2 of 4 stars). 2 submissions from 2 submitters: Uncertain significance (2). Last evaluated 2025-03-27.

Conditions:
Rienhoff syndrome. Also called: LOEYS-DIETZ SYNDROME 5. Identifiers: MedGen C3810012, MONDO:0014262, OMIM 615582.
Familial thoracic aortic aneurysm and aortic dissection (TAAD). Also called: Thoracic aortic aneurysms and dissections. Identifiers: Orphanet 91387, MedGen C4707243, MONDO:0019625.

Allele frequency attached by ClinVar (database versions not stated): gnomAD 0.00001; gnomAD exomes 0.00001; ExAC 0.00002; TOPMed 0.00002.

Submissions (2):

Labcorp Genetics (formerly Invitae), Labcorp
Classification: Uncertain significance for Rienhoff syndrome. Last evaluated: 2025-03-27. Review status: criteria provided, single submitter. Criteria: Invitae Variant Classification Sherloc (09022015). Collection method: clinical testing. Allele origin: germline.
Comment: This sequence change replaces threonine, which is neutral and polar, with methionine, which is neutral and non-polar, at codon 19 of the TGFB3 protein (p.Thr19Met). This variant is present in population databases (rs770761155, gnomAD 0.003%). This variant has not been reported in the literature in individuals affected with TGFB3-related conditions. ClinVar contains an entry for this variant (Variation ID: 1004531). An algorithm developed to predict the effect of missense changes on protein structure and function (PolyPhen-2) suggests that this variant is likely to be disruptive. In summary, the available evidence is currently insufficient to determine the role of this variant in disease. Therefore, it has been classified as a Variant of Uncertain Significance.

Ambry Genetics
Classification: Uncertain significance for Familial thoracic aortic aneurysm and aortic dissection. Last evaluated: 2025-01-28. Review status: criteria provided, single submitter. Criteria: Ambry Variant Classification Scheme 2023. Collection method: clinical testing. Allele origin: germline.
Comment: The p.T19M variant (also known as c.56C>T), located in coding exon 1 of the TGFB3 gene, results from a C to T substitution at nucleotide position 56. The threonine at codon 19 is replaced by methionine, an amino acid with similar properties. This amino acid position is conserved. In addition, the in silico prediction for this alteration is inconclusive. Based on the available evidence, the clinical significance of this variant remains unclear.

NM_003239.5(TGFB3):c.56C>T (p.Thr19Met)

Gene: TGFB3 (transforming growth factor beta 3; minus strand). Cytogenetic location: 14q24.3.
Variant type: single nucleotide variant.
Coding change: c.56C>T on transcript NM_003239.5 (MANE Select); coding-DNA position 56, C replaced by T.
Protein change: p.Thr19Met; replaces threonine 19 with methionine.
Molecular consequence: missense variant.
Genome position (GRCh38, 1-based): chr14:75,980,838, G>A on the plus strand (C>T on the coding strand, the complement: TGFB3 is on the minus strand). VCF-style: chr14-75980838-G-A. GRCh37 (hg19) VCF-style: chr14-76447181-G-A.
Other names: c.56C>T (NM_003239.2); c.56C>T, p.Thr19Met (NM_001329938.2, NM_001329939.2); short protein forms T19M.
Identifiers: ClinVar variation 1004531 (VCV001004531.10), dbSNP rs770761155, ClinGen allele CA7280526.